The following is an entry in ClinVar:

ClinVar aggregate classification (germline): Uncertain significance (1 of 4 stars; one submission).

Conditions:
Hereditary cancer-predisposing syndrome. Also called: Hereditary neoplastic syndrome; Neoplastic Syndromes, Hereditary; Tumor predisposition; Hereditary Cancer Syndrome. Identifiers: Orphanet 140162, MedGen C0027672, MeSH D009386, MONDO:0015356.

Submission:

Ambry Genetics
Classification: Uncertain significance for Hereditary cancer-predisposing syndrome. Last evaluated: 2024-06-07. Review status: criteria provided, single submitter. Criteria: Ambry Variant Classification Scheme 2023. Collection method: clinical testing. Allele origin: germline.
Comment: The p.R19P variant (also known as c.56G>C), located in coding exon 1 of the CDKN2A (p14ARF) gene, results from a G to C substitution at nucleotide position 56. The arginine at codon 19 is replaced by proline, an amino acid with dissimilar properties. This amino acid position is well conserved in available vertebrate species. In addition, the in silico prediction for this alteration is inconclusive. Since supporting evidence is limited at this time, the clinical significance of this alteration remains unclear.

NM_058195.4(CDKN2A):c.56G>C (p.Arg19Pro)

Gene: CDKN2A (cyclin dependent kinase inhibitor 2A; minus strand). Cytogenetic location: 9p21.3.
Variant type: single nucleotide variant.
Coding change: c.56G>C on transcript NM_058195.4 (MANE Plus Clinical); coding-DNA position 56, G replaced by C.
Protein change: p.Arg19Pro; replaces arginine 19 with proline.
Molecular consequence: missense variant. On other transcripts: intron variant (1).
Genome position (GRCh38, 1-based): chr9:21,994,276, C>G on the plus strand (G>C on the coding strand, the complement: CDKN2A is on the minus strand). VCF-style: chr9-21994276-C-G. GRCh37 (hg19) VCF-style: chr9-21994275-C-G.
Other names: c.-4+545G>C (NM_001363763.2); short protein forms R19P.
Identifiers: ClinVar variation 1749159 (VCV001749159.3), dbSNP rs748616717, ClinGen allele CA373087030.